The following is an entry in ClinVar:

ClinVar aggregate classification (germline): Uncertain significance (1 of 4 stars; one submission).

Conditions:
CC2D2A-related disorder. Also called: CC2D2A-related condition; CC2D2A-related disorders. Identifiers: MedGen CN239313.

gnomAD v4.1: 15 of 1,536,724 alleles (0.00098%); highest among the groups gnomAD compares: Non-Finnish European, 0.000087%; no homozygotes.

Submission:

PreventionGenetics, part of Exact Sciences
Classification: Uncertain significance for CC2D2A-related condition. Last evaluated: 2026-09-01. Review status: criteria provided, single submitter. Criteria: ACMG Guidelines, 2015. Collection method: clinical testing. Allele origin: germline.
Comment: The CC2D2A c.167A>T variant is predicted to result in the amino acid substitution p.His56Leu. To our knowledge, this variant has not been reported in the literature. This variant is reported in 0.036% of alleles in individuals of Ashkenazi Jewish descent in gnomAD. At this time, the clinical significance of this variant is uncertain due to the absence of conclusive functional and genetic evidence.

NM_001378615.1(CC2D2A):c.123+460A>T

Genes: CC2D2A (coiled-coil and C2 domain containing 2A; plus strand), FBXL5 (F-box and leucine rich repeat protein 5; minus strand). Cytogenetic location: 4p15.32.
Variant type: single nucleotide variant.
Coding change: c.123+460A>T on transcript NM_001378615.1 (MANE Select); 460 bases into the intron after coding-DNA position 123, A replaced by T.
Molecular consequence: intron variant. On other transcripts: 5 prime UTR variant (1), missense variant (1).
Genome position (GRCh38, 1-based): chr4:15,479,266, A>T. VCF-style: chr4-15479266-A-T. GRCh37 (hg19) VCF-style: chr4-15480890-A-T.
Other names: c.-87A>T (NM_001378617.1); c.167A>T, p.His56Leu (NM_020785.2); c.123+460A>T (NM_001080522.2, NM_001164720.3); short protein forms H56L.
Identifiers: ClinVar variation 4989657 (VCV004989657.1).
Genomic context (GRCh38, chr4:15,479,266, plus strand): 5'-TTCTGTCTTTGAGGCAGAAGCCAACTCCTTTCTCCCGAGCCTGCTGGCAGATCCTCCCCC[A>T]CCTCTCCGCAGGAGTTCCCCTCCTAGGCTGGGAGCATCCCGTGCAGGGTAAATCTTTTCA-3'